The following is an entry in ClinVar:

NM_000218.3(KCNQ1):c.1971C>A (p.Asn657Lys)

Genes: KCNQ1 (potassium voltage-gated channel subfamily Q member 1; plus strand), KCNQ1-AS1 (KCNQ1 antisense RNA 1; minus strand). Cytogenetic location: 11p15.4.
Variant type: single nucleotide variant.
Coding change: c.1971C>A on transcript NM_000218.3 (MANE Select); coding-DNA position 1971, C replaced by A.
Protein change: p.Asn657Lys; replaces asparagine 657 with lysine.
Molecular consequence: missense variant.
Genome position (GRCh38, 1-based): chr11:2,847,943, C>A. VCF-style: chr11-2847943-C-A. GRCh37 (hg19) VCF-style: chr11-2869173-C-A.
Other names: c.1431C>A, p.Asn477Lys (NM_001406838.1); c.483C>A, p.Asn161Lys (NM_001406839.1); c.1590C>A, p.Asn530Lys (NM_181798.2); c.1875C>A, p.Asn625Lys (NM_001406836.1); c.1701C>A, p.Asn567Lys (NM_001406837.1); short protein forms N161K, N477K, N530K, N567K, N625K, N657K.
Identifiers: ClinVar variation 4757397 (VCV004757397.1).

ClinVar aggregate classification (germline): Uncertain significance (1 of 4 stars; one submission).

Conditions:
Cardiac arrhythmia. Also called: Arrhythmia; Cardiac rhythm disease. Identifiers: MedGen C0003811, MONDO:0007263, HP:0011675.

Submission:

Color Diagnostics, LLC DBA Color Health
Classification: Uncertain significance for Cardiac arrhythmia. Last evaluated: 2025-06-30. Review status: criteria provided, single submitter. Criteria: ACMG Guidelines, 2015. Collection method: clinical testing. Allele origin: germline.
Comment: This missense variant replaces asparagine with lysine at codon 657 of the KCNQ1 protein. Computational prediction is inconclusive regarding the impact of this variant on protein structure and function. To our knowledge, functional studies have not been reported for this variant. This variant has not been reported in individuals affected with KCNQ1-related disorders in the literature. This variant has not been identified in the general population by the Genome Aggregation Database (gnomAD). The available evidence is insufficient to determine the role of this variant in disease conclusively. Therefore, this variant is classified as a Variant of Uncertain Significance.